The following is an entry in ClinVar:

NM_016169.4(SUFU):c.225del (p.Asn76fs)

Gene: SUFU (SUFU negative regulator of hedgehog signaling; plus strand). Cytogenetic location: 10q24.32.
Variant type: Deletion.
Coding change: c.225del on transcript NM_016169.4 (MANE Select); coding-DNA position 225, one base deleted (G; older notation c.225delG).
Protein change: p.Asn76fs; shifts the reading frame from asparagine 76.
Molecular consequence: frameshift variant.
Genome position (GRCh38, 1-based): chr10:102,509,211, G deleted; the last of 2 consecutive G bases (chr10:102,509,210-102,509,211); deleting either gives the same sequence. VCF-style (leftmost placement, unchanged base first): chr10-102509209-AG-A. GRCh37 (hg19) VCF-style: chr10-104268966-AG-A.
Other names: c.225del, p.Asn76fs (NM_001178133.2); short protein forms N76fs.
Identifiers: ClinVar variation 2640794 (VCV002640794.24), dbSNP rs2544845660, ClinGen allele CA2695201035.

ClinVar aggregate classification (germline): Pathogenic (1 of 4 stars; one submission).

Submission:

CeGaT Center for Human Genetics Tuebingen
Classification: Pathogenic. Last evaluated: 2023-10-01. Review status: criteria provided, single submitter. Criteria: CeGaT Center For Human Genetics Tuebingen Variant Classification Criteria Version 2. Collection method: clinical testing. Allele origin: germline. Affected: yes. Observed: 1 variant allele.
Comment: SUFU: PVS1, PM2